The following is an entry in ClinVar:

NM_001849.4(COL6A2):c.1447C>T (p.Pro483Ser)

Gene: COL6A2 (collagen type VI alpha 2 chain; plus strand). Cytogenetic location: 21q22.3.
Variant type: single nucleotide variant.
Coding change: c.1447C>T on transcript NM_001849.4 (MANE Select); coding-DNA position 1447, C replaced by T.
Protein change: p.Pro483Ser; replaces proline 483 with serine.
Molecular consequence: missense variant.
Genome position (GRCh38, 1-based): chr21:46,121,112, C>T. VCF-style: chr21-46121112-C-T. GRCh37 (hg19) VCF-style: chr21-47541026-C-T.
Other names: c.1447C>T, p.Pro483Ser (NM_058174.3, NM_058175.3); short protein forms P483S.
Identifiers: ClinVar variation 661956 (VCV000661956.9), dbSNP rs375694341, ClinGen allele CA321967106.
Genomic context (GRCh38, chr21:46,121,112, plus strand): 5'-TTCTTCCAGGGAGACCGAGGCTTGCCTGGACCCAGAGGCCCCCAGGGAGCTCTTGGGGAG[C>T]CCGGAAAGCAGGTCAGTGTCAGTGCAGGAGGCCGGTGCCCTCTGACCCCACGGGTGGGTC-3'
Protein context (NP_001840.3, residues 473-493): PRGPQGALGE[Pro483Ser]GKQGSRGDPG

ClinVar aggregate classification (germline): Uncertain significance (1 of 4 stars; one submission).

Conditions:
Bethlem myopathy 1A. Also called: Bethlem Muscular Dystrophy; Bethlem myopathy 1; MYOPATHY, BENIGN CONGENITAL, WITH CONTRACTURES. Identifiers: Orphanet 610, MedGen CN029274, MONDO:0024530, OMIM 158810.

Allele frequency attached by ClinVar (database versions not stated): gnomAD exomes below 0.00001 and 0.00001; gnomAD 0.00003; TOPMed 0.00003; ESP Exome Variant Server 0.00008.
gnomAD v4.1: 27 of 1,612,606 alleles (0.0017%); highest among the groups gnomAD compares: African/African-American, 0.0027%; no homozygotes.

Submission:

Labcorp Genetics (formerly Invitae), Labcorp
Classification: Uncertain significance for Bethlem myopathy 1A. Last evaluated: 2023-09-11. Review status: criteria provided, single submitter. Criteria: Invitae Variant Classification Sherloc (09022015). Collection method: clinical testing. Allele origin: germline.
Comment: ClinVar contains an entry for this variant (Variation ID: 661956). This variant has not been reported in the literature in individuals affected with COL6A2-related conditions. This variant is present in population databases (rs375694341, gnomAD 0.0009%). This sequence change replaces proline, which is neutral and non-polar, with serine, which is neutral and polar, at codon 483 of the COL6A2 protein (p.Pro483Ser). In summary, the available evidence is currently insufficient to determine the role of this variant in disease. Therefore, it has been classified as a Variant of Uncertain Significance. Advanced modeling of protein sequence and biophysical properties (such as structural, functional, and spatial information, amino acid conservation, physicochemical variation, residue mobility, and thermodynamic stability) performed at Invitae indicates that this missense variant is not expected to disrupt COL6A2 protein function.